The following is an entry in ClinVar:

NM_020461.4(TUBGCP6):c.700C>T (p.Pro234Ser)

Gene: TUBGCP6 (tubulin gamma complex component 6; minus strand). Cytogenetic location: 22q13.33.
Variant type: single nucleotide variant.
Coding change: c.700C>T on transcript NM_020461.4 (MANE Select); coding-DNA position 700, C replaced by T.
Protein change: p.Pro234Ser; replaces proline 234 with serine.
Molecular consequence: missense variant.
Genome position (GRCh38, 1-based): chr22:50,243,760, G>A on the plus strand (C>T on the coding strand, the complement: TUBGCP6 is on the minus strand). VCF-style: chr22-50243760-G-A. GRCh37 (hg19) VCF-style: chr22-50682189-G-A.
Other names: c.700C>T (NM_020461.3); short protein forms P234S.
Identifiers: ClinVar variation 1057340 (VCV001057340.7), dbSNP rs559074704, ClinGen allele CA10308995.

ClinVar aggregate classification (germline): Uncertain significance. Review status: criteria provided, multiple submitters, no conflicts (2 of 4 stars). 2 submissions from 2 submitters: Uncertain significance (2). Last evaluated 2024-10-24.

Conditions:
Inborn genetic diseases. Identifiers: MedGen C0950123, MeSH D030342.

Allele frequency attached by ClinVar (database versions not stated): ExAC 0.00002; gnomAD 0.00007; TOPMed 0.00008; 1000 Genomes Project 30x 0.00016; 1000 Genomes Project 0.00020.
gnomAD v4.1: 19 of 1,613,606 alleles (0.0012%); highest among the groups gnomAD compares: African/African-American, 0.021%; no homozygotes.

Submissions (2):

Labcorp Genetics (formerly Invitae), Labcorp
Classification: Uncertain significance. Last evaluated: 2024-10-24. Review status: criteria provided, single submitter. Criteria: Invitae Variant Classification Sherloc (09022015). Collection method: clinical testing. Allele origin: germline.
Comment: This sequence change replaces proline, which is neutral and non-polar, with serine, which is neutral and polar, at codon 234 of the TUBGCP6 protein (p.Pro234Ser). The frequency data for this variant in the population databases is considered unreliable, as metrics indicate poor data quality at this position in the gnomAD database. This variant has not been reported in the literature in individuals affected with TUBGCP6-related conditions. ClinVar contains an entry for this variant (Variation ID: 1057340). An algorithm developed to predict the effect of missense changes on protein structure and function (PolyPhen-2) suggests that this variant is likely to be disruptive. In summary, the available evidence is currently insufficient to determine the role of this variant in disease. Therefore, it has been classified as a Variant of Uncertain Significance.

Ambry Genetics
Classification: Uncertain significance for Inborn genetic diseases. Last evaluated: 2023-09-20. Review status: criteria provided, single submitter. Criteria: Ambry Variant Classification Scheme 2023. Collection method: clinical testing. Allele origin: germline.